The following is an entry in ClinVar:

NM_144687.4(NLRP12):c.2927G>A (p.Trp976Ter)

Gene: NLRP12 (NLR family pyrin domain containing 12; minus strand). Cytogenetic location: 19q13.42.
Variant type: single nucleotide variant.
Coding change: c.2927G>A on transcript NM_144687.4 (MANE Select); coding-DNA position 2927, G replaced by A.
Protein change: p.Trp976Ter; replaces tryptophan 976 with a stop codon.
Molecular consequence: nonsense. On other transcripts: intron variant (1).
Genome position (GRCh38, 1-based): chr19:53,798,243, C>T on the plus strand (G>A on the coding strand, the complement: NLRP12 is on the minus strand). VCF-style: chr19-53798243-C-T. GRCh37 (hg19) VCF-style: chr19-54301497-C-T.
Other names: c.2930G>A, p.Trp977Ter (NM_001277126.2); c.2757-2214G>A (NM_001277129.1); short protein forms W976*, W977*.
Identifiers: ClinVar variation 4718919 (VCV004718919.1).

ClinVar aggregate classification (germline): Uncertain significance (1 of 4 stars; one submission).

Conditions:
Familial cold autoinflammatory syndrome 2 (FCAS2). Identifiers: Orphanet 247868, MedGen C2673198, MONDO:0012724, OMIM 611762.

gnomAD v4.1: 4 of 1,614,128 alleles (0.00025%); highest among the groups gnomAD compares: East Asian, 0.0022%; no homozygotes.

Submission:

Labcorp Genetics (formerly Invitae), Labcorp
Classification: Uncertain significance for Familial cold autoinflammatory syndrome 2. Last evaluated: 2025-05-04. Review status: criteria provided, single submitter. Criteria: Invitae Variant Classification Sherloc (09022015). Collection method: clinical testing. Allele origin: germline.
Comment: This sequence change creates a premature translational stop signal (p.Trp976*) in the NLRP12 gene. It is expected to result in an absent or disrupted protein product. However, the current clinical and genetic evidence is not sufficient to establish whether loss-of-function variants in NLRP12 cause disease. This variant is not present in population databases (gnomAD no frequency). This variant has not been reported in the literature in individuals affected with NLRP12-related conditions. Algorithms developed to predict the effect of sequence changes on RNA splicing suggest that this variant may disrupt the consensus splice site. In summary, the available evidence is currently insufficient to determine the role of this variant in disease. Therefore, it has been classified as a Variant of Uncertain Significance.